The following is an entry in ClinVar:

NM_016464.5(TMEM138):c.203C>A (p.Ala68Asp)

Gene: TMEM138 (transmembrane protein 138; plus strand). Cytogenetic location: 11q12.2.
Variant type: single nucleotide variant.
Coding change: c.203C>A on transcript NM_016464.5 (MANE Select); coding-DNA position 203, C replaced by A.
Protein change: p.Ala68Asp; replaces alanine 68 with aspartic acid.
Molecular consequence: missense variant. On other transcripts: non-coding transcript variant (1).
Genome position (GRCh38, 1-based): chr11:61,366,119, C>A. VCF-style: chr11-61366119-C-A. GRCh37 (hg19) VCF-style: chr11-61133591-C-A.
Other names: c.29C>A, p.Ala10Asp (NM_001330281.2); short protein forms A10D, A68D.
Identifiers: ClinVar variation 1390807 (VCV001390807.8), dbSNP rs766349558, ClinGen allele CA6034558.

ClinVar aggregate classification (germline): Uncertain significance (1 of 4 stars; one submission).

Conditions:
Joubert syndrome 16 (JBTS16). Identifiers: Orphanet 2318, MedGen C3280906, MONDO:0013764, OMIM 614465.

Allele frequency attached by ClinVar (database versions not stated): gnomAD exomes 0.00001; ExAC 0.00002.
gnomAD v4.1: 5 of 1,614,248 alleles (0.00031%); highest among the groups gnomAD compares: Non-Finnish European, 0.00042%; no homozygotes.

Submission:

Labcorp Genetics (formerly Invitae), Labcorp
Classification: Uncertain significance for Joubert syndrome 16. Last evaluated: 2021-04-25. Review status: criteria provided, single submitter. Criteria: Invitae Variant Classification Sherloc (09022015). Collection method: clinical testing. Allele origin: germline.
Comment: This variant has not been reported in the literature in individuals with TMEM138-related conditions. Algorithms developed to predict the effect of missense changes on protein structure and function are either unavailable or do not agree on the potential impact of this missense change (SIFT: "Deleterious"; PolyPhen-2: "Probably Damaging"; Align-GVGD: "Class C15"). In summary, the available evidence is currently insufficient to determine the role of this variant in disease. Therefore, it has been classified as a Variant of Uncertain Significance. This variant is present in population databases (rs766349558, ExAC 0.003%). This sequence change replaces alanine with aspartic acid at codon 68 of the TMEM138 protein (p.Ala68Asp). The alanine residue is moderately conserved and there is a moderate physicochemical difference between alanine and aspartic acid.